The following is an entry in ClinVar:

ClinVar aggregate classification (germline): Conflicting classifications of pathogenicity. Review status: criteria provided, conflicting classifications (1 of 4 stars). 5 submissions from 5 submitters: Uncertain significance (4); Likely benign (1). Last evaluated 2023-03-23.

Conditions:
Hereditary cancer-predisposing syndrome. Also called: Tumor predisposition; Neoplastic Syndromes, Hereditary; Hereditary neoplastic syndrome; Hereditary Cancer Syndrome. Identifiers: Orphanet 140162, MedGen C0027672, MeSH D009386, MONDO:0015356.
Hereditary breast ovarian cancer syndrome. Also called: Hereditary breast and ovarian cancer; Hereditary breast and ovarian cancer syndrome (HBOC); Breast and ovarian cancer; Hereditary breast and ovarian cancer syndrome; BRCA1- and BRCA2-Associated Hereditary Breast and Ovarian Cancer; Hereditary breast and/or ovarian cancer syndrome. Identifiers: Orphanet 145, MedGen C0677776, MeSH D061325, MONDO:0003582. Disease mechanism: loss of function.

Submissions (5):

University of Washington Department of Laboratory Medicine, University of Washington
Classification: Likely benign for Hereditary cancer-predisposing syndrome. Last evaluated: 2023-03-23. Review status: criteria provided, single submitter. Criteria: Dines et al. (Genet Med. 2020). Collection method: curation. Allele origin: germline.
Comment: Missense variant in a coldspot region where missense variants are very unlikely to be pathogenic (PMID:31911673).

BRCA1 coldspot (exon 11 using historical exon numbering). Reclassification based on statistical prior probability

Ambry Genetics
Classification: Uncertain significance for Hereditary cancer-predisposing syndrome. Last evaluated: 2023-02-04. Review status: criteria provided, single submitter. Criteria: Ambry Variant Classification Scheme 2023. Collection method: clinical testing. Allele origin: germline.
Comment: The p.F697Y variant (also known as c.2090T>A), located in coding exon 9 of the BRCA1 gene, results from a T to A substitution at nucleotide position 2090. The phenylalanine at codon 697 is replaced by tyrosine, an amino acid with highly similar properties. This amino acid position is not well conserved in available vertebrate species, and tyrosine is the reference amino acid in other vertebrate species. In addition, the in silico prediction for this alteration is inconclusive. Since supporting evidence is limited at this time, the clinical significance of this alteration remains unclear.

Labcorp Genetics (formerly Invitae), Labcorp
Classification: Uncertain significance for Hereditary breast ovarian cancer syndrome. Last evaluated: 2022-10-19. Review status: criteria provided, single submitter. Criteria: Invitae Variant Classification Sherloc (09022015). Collection method: clinical testing. Allele origin: germline.
Comment: ClinVar contains an entry for this variant (Variation ID: 633092). This sequence change replaces phenylalanine, which is neutral and non-polar, with tyrosine, which is neutral and polar, at codon 697 of the BRCA1 protein (p.Phe697Tyr). This variant is not present in population databases (gnomAD no frequency). This variant has not been reported in the literature in individuals affected with BRCA1-related conditions. Advanced modeling of protein sequence and biophysical properties (such as structural, functional, and spatial information, amino acid conservation, physicochemical variation, residue mobility, and thermodynamic stability) performed at Invitae indicates that this missense variant is not expected to disrupt BRCA1 protein function. In summary, the available evidence is currently insufficient to determine the role of this variant in disease. Therefore, it has been classified as a Variant of Uncertain Significance.

Color Diagnostics, LLC DBA Color Health
Classification: Uncertain significance for Hereditary cancer-predisposing syndrome. Last evaluated: 2020-06-09. Review status: criteria provided, single submitter. Criteria: ACMG Guidelines, 2015. Collection method: clinical testing. Allele origin: germline.
Comment: This missense variant replaces phenylalanine with tyrosine at codon 697 of the BRCA1 protein. Computational prediction is inconclusive regarding the impact of this variant on protein structure and function (internally defined REVEL score threshold 0.5 < inconclusive < 0.7, PMID: 27666373). To our knowledge, functional studies have not been reported for this variant. This variant has not been reported in individuals affected with hereditary cancer in the literature. This variant has not been identified in the general population by the Genome Aggregation Database (gnomAD). The available evidence is insufficient to determine the role of this variant in disease conclusively. Therefore, this variant is classified as a Variant of Uncertain Significance.

Women's Health and Genetics/Laboratory Corporation of America, LabCorp
Classification: Uncertain significance. Last evaluated: 2018-04-16. Review status: criteria provided, single submitter. Criteria: LabCorp Variant Classification Summary - May 2015. Collection method: clinical testing. Allele origin: germline.
Comment: Variant summary: BRCA1 c.2090T>A (p.Phe697Tyr) results in a conservative amino acid change outside of any known functional domain or repeat in the encoded protein sequence. Four of five in-silico tools predict a benign effect of the variant on protein function. The variant was absent in 245968 control chromosomes in the gnomAD dataset. The available data on variant occurrences in the general population are insufficient to allow any conclusion about variant significance. To our knowledge, no occurrence of c.2090T>A in individuals affected with Hereditary Breast and Ovarian Cancer and no experimental evidence demonstrating its impact on protein function have been reported. No clinical diagnostic laboratories have submitted clinical-significance assessments for this variant to ClinVar after 2014. Based on the evidence outlined above, the variant was classified as uncertain significance.

NM_007294.4(BRCA1):c.2090T>A (p.Phe697Tyr)

Gene: BRCA1 (BRCA1 DNA repair associated; minus strand). Cytogenetic location: 17q21.31.
Variant type: single nucleotide variant.
Coding change: c.2090T>A on transcript NM_007294.4 (MANE Select); coding-DNA position 2090, T replaced by A.
Protein change: p.Phe697Tyr; replaces phenylalanine 697 with tyrosine.
Molecular consequence: missense variant. On other transcripts: intron variant (137).
Genome position (GRCh38, 1-based): chr17:43,093,441, A>T on the plus strand (T>A on the coding strand, the complement: BRCA1 is on the minus strand). VCF-style: chr17-43093441-A-T. GRCh37 (hg19) VCF-style: chr17-41245458-A-T.
Other names: c.1877T>A, p.Phe626Tyr (NM_001407571.1, NM_001407853.1, NM_001407894.1 and 9 more transcripts); c.2090T>A, p.Phe697Tyr (NM_001407581.1, NM_001407582.1, NM_001407583.1 and 30 more transcripts); c.2087T>A, p.Phe696Tyr (NM_001407587.1, NM_001407590.1, NM_001407591.1 and 22 more transcripts); c.2081T>A, p.Phe694Tyr (NM_001407646.1, NM_001407647.1); c.1967T>A, p.Phe656Tyr (NM_001407648.1, NM_001407664.1, NM_001407665.1 and 19 more transcripts); c.1964T>A, p.Phe655Tyr (NM_001407649.1, NM_001407670.1, NM_001407671.1 and 11 more transcripts); c.2012T>A, p.Phe671Tyr (NM_001407653.1, NM_001407654.1, NM_001407655.1 and 4 more transcripts); c.2009T>A, p.Phe670Tyr (NM_001407659.1, NM_001407660.1, NM_001407661.1 and 1 more transcripts); and 41 more; short protein forms F697Y, F650Y, F630Y, F569Y, F586Y, F609Y, F629Y, F694Y.
Identifiers: ClinVar variation 633092 (VCV000633092.14), dbSNP rs730881476, ClinGen allele CA10597822.
Genomic context (GRCh38, chr17:43,093,441, plus strand): 5'-TCACTGGTATTTGAACACTTAGTAAAAGAACCAGGTGCATTTGTTAACTTCAGCTCTGGG[A>T]AAGTATCGCTGTCATGTCTTTTACTTGTCTGTTCATTTGGCTTGTTACTCTTCTTGGCTC-3'
Protein context (NP_009225.1, residues 687-707): QTSKRHDSDT[Phe697Tyr]PELKLTNAPG